The following is an entry in ClinVar:

ClinVar aggregate classification (germline): Uncertain significance (1 of 4 stars; one submission).

Allele frequency attached by ClinVar (database versions not stated): TOPMed below 0.00001; gnomAD exomes 0.00001.
gnomAD v4.1: 11 of 1,611,690 alleles (0.00068%); highest among the groups gnomAD compares: Non-Finnish European, 0.00085%; no homozygotes.

Submission:

Labcorp Genetics (formerly Invitae), Labcorp
Classification: Uncertain significance. Last evaluated: 2024-11-05. Review status: criteria provided, single submitter. Criteria: Invitae Variant Classification Sherloc (09022015). Collection method: clinical testing. Allele origin: germline.
Comment: This sequence change replaces glutamic acid, which is acidic and polar, with valine, which is neutral and non-polar, at codon 1094 of the COL11A1 protein (p.Glu1094Val). This variant is present in population databases (no rsID available, gnomAD 0.0009%). This variant has not been reported in the literature in individuals affected with COL11A1-related conditions. ClinVar contains an entry for this variant (Variation ID: 2781782). Invitae Evidence Modeling of protein sequence and biophysical properties (such as structural, functional, and spatial information, amino acid conservation, physicochemical variation, residue mobility, and thermodynamic stability) indicates that this missense variant is not expected to disrupt COL11A1 protein function with a negative predictive value of 80%. In summary, the available evidence is currently insufficient to determine the role of this variant in disease. Therefore, it has been classified as a Variant of Uncertain Significance.

NM_001854.4(COL11A1):c.3281A>T (p.Glu1094Val)

Gene: COL11A1 (collagen type XI alpha 1 chain; minus strand). Cytogenetic location: 1p21.1.
Variant type: single nucleotide variant.
Coding change: c.3281A>T on transcript NM_001854.4 (MANE Select); coding-DNA position 3281, A replaced by T.
Protein change: p.Glu1094Val; replaces glutamic acid 1094 with valine.
Molecular consequence: missense variant. On other transcripts: non-coding transcript variant (1).
Genome position (GRCh38, 1-based): chr1:102,940,430, T>A on the plus strand (A>T on the coding strand, the complement: COL11A1 is on the minus strand). VCF-style: chr1-102940430-T-A. GRCh37 (hg19) VCF-style: chr1-103405986-T-A.
Other names: c.2933A>T, p.Glu978Val (NM_001168249.1, NM_080630.4); c.3164A>T, p.Glu1055Val (NM_001190709.2); c.3317A>T, p.Glu1106Val (NM_080629.3); short protein forms E1094V, E1106V, E978V, E1055V.
Identifiers: ClinVar variation 2781782 (VCV002781782.3), dbSNP rs1260695073, ClinGen allele CA341170082.